The following is an entry in ClinVar:

ClinVar aggregate classification (germline): Uncertain significance (1 of 4 stars; one submission).

Conditions:
Familial hypocalciuric hypercalcemia (FHH). Also called: Familial benign hypercalcemia. Identifiers: Orphanet 405, MedGen C1809471, MONDO:0018458.
Autosomal dominant hypocalcemia 1 (HYPOC1). Also called: HYPOCALCEMIA, FAMILIAL. Identifiers: MedGen C3715128, MONDO:0011013, OMIM 601198.

Allele frequency attached by ClinVar (database versions not stated): TOPMed below 0.00001.

Submission:

Labcorp Genetics (formerly Invitae), Labcorp
Classification: Uncertain significance for Familial hypocalciuric hypercalcemia; Autosomal dominant hypocalcemia 1. Last evaluated: 2018-12-19. Review status: criteria provided, single submitter. Criteria: Invitae Variant Classification Sherloc (09022015). Collection method: clinical testing. Allele origin: germline.
Comment: In summary, the available evidence is currently insufficient to determine the role of this variant in disease. Therefore, it has been classified as a Variant of Uncertain Significance. Algorithms developed to predict the effect of missense changes on protein structure and function (SIFT, PolyPhen-2, Align-GVGD) all suggest that this variant is likely to be disruptive, but these predictions have not been confirmed by published functional studies and their clinical significance is uncertain. This variant has been observed in an individual affected with familial hypocalciuric hypercalcemia (FHH) (PMID: 26963950). This variant is not present in population databases (ExAC no frequency). This sequence change replaces asparagine with isoleucine at codon 345 of the CASR protein (p.Asn345Ile). The asparagine residue is highly conserved and there is a large physicochemical difference between asparagine and isoleucine.

Literature cited by the submitters: PubMed 26963950.

NM_000388.4(CASR):c.1034A>T (p.Asn345Ile)

Gene: CASR (calcium sensing receptor; plus strand). Cytogenetic location: 3q21.1.
Variant type: single nucleotide variant.
Coding change: c.1034A>T on transcript NM_000388.4 (MANE Select); coding-DNA position 1034, A replaced by T.
Protein change: p.Asn345Ile; replaces asparagine 345 with isoleucine.
Molecular consequence: missense variant.
Genome position (GRCh38, 1-based): chr3:122,262,069, A>T. VCF-style: chr3-122262069-A-T. GRCh37 (hg19) VCF-style: chr3-121980916-A-T.
Other names: c.1034A>T, p.Asn345Ile (NM_001178065.2); short protein forms N345I.
Identifiers: ClinVar variation 664901 (VCV000664901.9), dbSNP rs1390562571, ClinGen allele CA354152256.